The following is an entry in ClinVar:

ClinVar aggregate classification (germline): Uncertain significance. Review status: criteria provided, multiple submitters, no conflicts (2 of 4 stars). 3 submissions from 3 submitters: Uncertain significance (3). Last evaluated 2021-11-07.

Conditions:
Microcephaly, normal intelligence and immunodeficiency (NBS). Also called: Nijmegen breakage syndrome; Microcephaly with normal intelligence immunodeficiency and lymphoreticular malignancies; Nonsyndromal microcephaly autosomal recessive with normal intelligence; Seemanova syndrome 2; Ataxia telangiectasia variant V1; SEEMANOVA SYNDROME II. Identifiers: Orphanet 647, MedGen C0398791, MONDO:0009623, OMIM 251260.

Allele frequency attached by ClinVar (database versions not stated): gnomAD exomes below 0.00001.
gnomAD v4.1: 1 of 1,613,384 alleles (0.000062%); highest among the groups gnomAD compares: Non-Finnish European, 0.000085%; no homozygotes.

Submissions (3):

Genome-Nilou Lab
Classification: Uncertain significance for Microcephaly, normal intelligence and immunodeficiency. Last evaluated: 2021-11-07. Review status: criteria provided, single submitter. Criteria: ACMG Guidelines, 2015. Collection method: clinical testing. Allele origin: germline. Affected: no.

Labcorp Genetics (formerly Invitae), Labcorp
Classification: Uncertain significance for Microcephaly, normal intelligence and immunodeficiency. Last evaluated: 2021-09-01. Review status: criteria provided, single submitter. Criteria: Invitae Variant Classification Sherloc (09022015). Collection method: clinical testing. Allele origin: germline.
Comment: This sequence change replaces isoleucine with methionine at codon 597 of the NBN protein (p.Ile597Met). The isoleucine residue is weakly conserved and there is a small physicochemical difference between isoleucine and methionine. This variant is not present in population databases (ExAC no frequency). This variant has not been reported in the literature in individuals affected with NBN-related conditions. Algorithms developed to predict the effect of missense changes on protein structure and function output the following: SIFT: "Tolerated"; PolyPhen-2: "Benign"; Align-GVGD: "Class C0". The methionine amino acid residue is found in multiple mammalian species, which suggests that this missense change does not adversely affect protein function. In summary, the available evidence is currently insufficient to determine the role of this variant in disease. Therefore, it has been classified as a Variant of Uncertain Significance.

GeneDx
Classification: Uncertain significance. Last evaluated: 2019-08-29. Review status: criteria provided, single submitter. Criteria: GeneDx Variant Classification Process June 2021. Collection method: clinical testing. Allele origin: germline. Affected: yes.
Comment: Not observed in large population cohorts (Lek 2016); In silico analysis, which includes protein predictors and evolutionary conservation, supports that this variant does not alter protein structure/function; Has not been previously published as pathogenic or benign to our knowledge

NM_002485.5(NBN):c.1791A>G (p.Ile597Met)

Gene: NBN (nibrin; minus strand). Cytogenetic location: 8q21.3.
Variant type: single nucleotide variant.
Coding change: c.1791A>G on transcript NM_002485.5 (MANE Select); coding-DNA position 1791, A replaced by G.
Protein change: p.Ile597Met; replaces isoleucine 597 with methionine.
Molecular consequence: missense variant.
Genome position (GRCh38, 1-based): chr8:89,953,298, T>C on the plus strand (A>G on the coding strand, the complement: NBN is on the minus strand). VCF-style: chr8-89953298-T-C. GRCh37 (hg19) VCF-style: chr8-90965526-T-C.
Other names: c.1545A>G, p.Ile515Met (NM_001024688.3); short protein forms I515M, I597M.
Identifiers: ClinVar variation 1044391 (VCV001044391.9), dbSNP rs1810523727, ClinGen allele CA371655082.